The following is an entry in ClinVar:

NM_080425.4(GNAS):c.169G>A (p.Glu57Lys)

Gene: GNAS (GNAS complex locus; plus strand). Cytogenetic location: 20q13.32.
Variant type: single nucleotide variant.
Coding change: c.169G>A on transcript NM_080425.4 (MANE Plus Clinical); coding-DNA position 169, G replaced by A.
Protein change: p.Glu57Lys; replaces glutamic acid 57 with lysine.
Molecular consequence: missense variant. On other transcripts: 5 prime UTR variant (2), intron variant (3).
Genome position (GRCh38, 1-based): chr20:58,853,434, G>A. VCF-style: chr20-58853434-G-A. GRCh37 (hg19) VCF-style: chr20-57428489-G-A.
Other names: c.-19G>A (NM_001077490.3, NM_001309883.1); c.169G>A, p.Glu57Lys (NM_001410913.1); c.*42+12548G>A (NM_016592.5); c.43+12548G>A (NM_001410912.1); c.-39+11559G>A (NM_001309861.2); short protein forms E57K.
Identifiers: ClinVar variation 4977176 (VCV004977176.1).

ClinVar aggregate classification (germline): Uncertain significance (1 of 4 stars; one submission).

Conditions:
GNAS-related disorder. Identifiers: MedGen CN380105.

gnomAD v4.1: 7 of 1,606,302 alleles (0.00044%); highest among the groups gnomAD compares: Non-Finnish European, 0.00059%; no homozygotes.

Submission:

PreventionGenetics, part of Exact Sciences
Classification: Uncertain significance for GNAS-related condition. Last evaluated: 2025-10-27. Review status: criteria provided, single submitter. Criteria: ACMG Guidelines, 2015. Collection method: clinical testing. Allele origin: germline.
Comment: The GNAS c.169G>A variant is predicted to result in the amino acid substitution p.Glu57Lys. To our knowledge, this variant has not been reported in the literature or in a large population database (gnomAD), indicating this variant is rare. At this time, the clinical significance of this variant is uncertain due to the absence of conclusive functional and genetic evidence.